The following is an entry in ClinVar:

NM_020949.3(SLC7A14):c.350G>C (p.Gly117Ala)

Genes: SLC7A14 (solute carrier family 7 member 14; minus strand), SLC7A14-AS1 (SLC7A14 antisense RNA 1; plus strand). Cytogenetic location: 3q26.2.
Variant type: single nucleotide variant.
Coding change: c.350G>C on transcript NM_020949.3 (MANE Select); coding-DNA position 350, G replaced by C.
Protein change: p.Gly117Ala; replaces glycine 117 with alanine.
Molecular consequence: missense variant.
Genome position (GRCh38, 1-based): chr3:170,501,300, C>G on the plus strand (G>C on the coding strand, the complement: SLC7A14 is on the minus strand). VCF-style: chr3-170501300-C-G. GRCh37 (hg19) VCF-style: chr3-170219089-C-G.
Other names: short protein forms G117A.
Identifiers: ClinVar variation 2085787 (VCV002085787.4), dbSNP rs2473395059, ClinGen allele CA355517466.

ClinVar aggregate classification (germline): Uncertain significance (1 of 4 stars; one submission).

Submission:

Labcorp Genetics (formerly Invitae), Labcorp
Classification: Uncertain significance. Last evaluated: 2022-01-16. Review status: criteria provided, single submitter. Criteria: Invitae Variant Classification Sherloc (09022015). Collection method: clinical testing. Allele origin: germline.
Comment: In summary, the available evidence is currently insufficient to determine the role of this variant in disease. Therefore, it has been classified as a Variant of Uncertain Significance. Algorithms developed to predict the effect of missense changes on protein structure and function (SIFT, PolyPhen-2, Align-GVGD) all suggest that this variant is likely to be disruptive. This variant has not been reported in the literature in individuals affected with SLC7A14-related conditions. This variant is not present in population databases (gnomAD no frequency). This sequence change replaces glycine, which is neutral and non-polar, with alanine, which is neutral and non-polar, at codon 117 of the SLC7A14 protein (p.Gly117Ala).